The following is an entry in ClinVar:

ClinVar aggregate classification (germline): Uncertain significance. Review status: criteria provided, multiple submitters, no conflicts (2 of 4 stars). 4 submissions from 4 submitters: Uncertain significance (4). Last evaluated 2026-02-26.

Conditions:
FIG4-related disorder. Also called: FIG4-related disorders; FIG4-related condition.

Allele frequency attached by ClinVar (database versions not stated): gnomAD 0.00001; TOPMed 0.00001; ExAC 0.00002; gnomAD exomes 0.00002.

Submissions (4):

PreventionGenetics, part of Exact Sciences
Classification: Uncertain significance for FIG4-related condition. Last evaluated: 2026-02-26. Review status: criteria provided, single submitter. Criteria: ACMG Guidelines, 2015. Collection method: clinical testing. Allele origin: germline.
Comment: The FIG4 c.719G>C variant is predicted to result in the amino acid substitution p.Ser240Thr. This variant has been reported as a variant of uncertain significance in an individual from a large cohort study of Charcot-Marie-Tooth disease; however, additional evidence was not provided (Suppl. Table 2, Volodarsky et al. 2021. PubMed ID: 32376792). This variant is reported in 0.0035% of alleles in individuals of European (Non-Finnish) descent in gnomAD. At this time, the clinical significance of this variant is uncertain due to the absence of conclusive functional and genetic evidence.

Athena Diagnostics
Classification: Uncertain significance. Last evaluated: 2025-07-18. Review status: criteria provided, single submitter. Criteria: Athena Diagnostics Criteria. Collection method: clinical testing. Allele origin: unknown.
Comment: Available data are insufficient to determine the clinical significance of the variant at this time. The frequency of this variant in the general population is uninformative in assessment of its pathogenicity. Polyphen and MutationTaster predict this amino acid change may be benign.

ARUP Laboratories, Molecular Genetics and Genomics, ARUP Laboratories
Classification: Uncertain significance. Last evaluated: 2019-06-21. Review status: criteria provided, single submitter. Criteria: ARUP Molecular Germline Variant Investigation Process. Collection method: clinical testing. Allele origin: germline.
Comment: The FIG4 c.719G>C; p.Ser240Thr variant (rs772586786), to our knowledge, is not reported in the medical literature but is reported in ClinVar (Variation ID: 245742). This variant is found on only four chromosomes (4/251156 alleles) in the Genome Aggregation Database. The serine at codon 240 is weakly conserved, and computational analyses (SIFT, PolyPhen-2) predict that this variant is tolerated. However, given the lack of clinical and functional data, the significance of the p.Ser240Thr variant is uncertain at this time.

GeneDx
Classification: Uncertain significance. Last evaluated: 2015-04-28. Review status: criteria provided, single submitter. Criteria: GeneDx Variant Classification (06012015). Collection method: clinical testing. Allele origin: germline. Affected: yes.
Comment: The S240T variant has not been published as pathogenic, nor has it been reported as a benign polymorphism to our knowledge. It was not observed in approximately 6,500 individuals of European and African American ancestry in the NHLBI Exome Sequencing Project, indicating it is not a common benign variant in these populations. The S240T variant is a conservative amino acid substitution, which is not likely to impact secondary protein structure as these residues share similar properties. This substitution occurs at a position that is not conserved across species; however, in silico analysis is inconsistent in its predictions as to whether or not the variant is damaging to the protein structure/function. Therefore, based on the currently available information, it is unclear whether this variant is a pathogenic or a rare benign variant.

NM_014845.6(FIG4):c.719G>C (p.Ser240Thr)

Gene: FIG4 (FIG4 phosphoinositide 5-phosphatase; plus strand). Cytogenetic location: 6q21.
Variant type: single nucleotide variant.
Coding change: c.719G>C on transcript NM_014845.6 (MANE Select); coding-DNA position 719, G replaced by C.
Protein change: p.Ser240Thr; replaces serine 240 with threonine.
Molecular consequence: missense variant.
Genome position (GRCh38, 1-based): chr6:109,738,397, G>C. VCF-style: chr6-109738397-G-C. GRCh37 (hg19) VCF-style: chr6-110059600-G-C.
Other names: short protein forms S240T.
Identifiers: ClinVar variation 245742 (VCV000245742.13), dbSNP rs772586786, ClinGen allele CA3955884.